The following is an entry in ClinVar:

ClinVar aggregate classification (germline): Conflicting classifications of pathogenicity. Review status: criteria provided, conflicting classifications (1 of 4 stars). 2 submissions from 2 submitters: Uncertain significance (1); Likely benign (1). Last evaluated 2025-11-13.

Conditions:
Inborn genetic diseases. Identifiers: MedGen C0950123, MeSH D030342.
KBG syndrome (KBGS). Also called: ANKRD11-Related KBG Syndrome. Identifiers: Orphanet 2332, MedGen C0220687, MONDO:0007846, OMIM 148050.

Allele frequency attached by ClinVar (database versions not stated): TOPMed 0.00001.
gnomAD v4.1: 9 of 1,609,732 alleles (0.00056%); highest among the groups gnomAD compares: Non-Finnish European, 0.00076%; no homozygotes.

Submissions (2):

Ambry Genetics
Classification: Likely benign for Inborn genetic diseases. Last evaluated: 2025-11-13. Review status: criteria provided, single submitter. Criteria: Ambry Variant Classification Scheme 2023. Collection method: clinical testing. Allele origin: germline.

Labcorp Genetics (formerly Invitae), Labcorp
Classification: Uncertain significance for KBG syndrome. Last evaluated: 2024-03-06. Review status: criteria provided, single submitter. Criteria: Invitae Variant Classification Sherloc (09022015). Collection method: clinical testing. Allele origin: germline.
Comment: This sequence change replaces serine, which is neutral and polar, with proline, which is neutral and non-polar, at codon 2208 of the ANKRD11 protein (p.Ser2208Pro). This variant is not present in population databases (gnomAD no frequency). This variant has not been reported in the literature in individuals affected with ANKRD11-related conditions. Advanced modeling of protein sequence and biophysical properties (such as structural, functional, and spatial information, amino acid conservation, physicochemical variation, residue mobility, and thermodynamic stability) performed at Invitae indicates that this missense variant is not expected to disrupt ANKRD11 protein function with a negative predictive value of 95%. In summary, the available evidence is currently insufficient to determine the role of this variant in disease. Therefore, it has been classified as a Variant of Uncertain Significance.

NM_013275.6(ANKRD11):c.6622T>C (p.Ser2208Pro)

Gene: ANKRD11 (ankyrin repeat domain 11; minus strand). Cytogenetic location: 16q24.3.
Variant type: single nucleotide variant.
Coding change: c.6622T>C on transcript NM_013275.6 (MANE Select); coding-DNA position 6622, T replaced by C.
Protein change: p.Ser2208Pro; replaces serine 2208 with proline.
Molecular consequence: missense variant.
Genome position (GRCh38, 1-based): chr16:89,279,920, A>G on the plus strand (T>C on the coding strand, the complement: ANKRD11 is on the minus strand). VCF-style: chr16-89279920-A-G. GRCh37 (hg19) VCF-style: chr16-89346328-A-G.
Other names: c.6622T>C, p.Ser2208Pro (NM_001256182.2, NM_001256183.2); c.6622T>C (NM_013275.4); short protein forms S2208P.
Identifiers: ClinVar variation 2725570 (VCV002725570.4), dbSNP rs778171762, ClinGen allele CA397150349.